The following is an entry in ClinVar:

NM_181523.3(PIK3R1):c.1354_1371del (p.Tyr452_Gln457del)

Gene: PIK3R1 (phosphoinositide-3-kinase regulatory subunit 1; plus strand). Cytogenetic location: 5q13.1.
Variant type: Deletion.
Coding change: c.1354_1371del on transcript NM_181523.3 (MANE Select); coding-DNA positions 1354 to 1371, 18 bases deleted (TATAACACTCAGTTTCAA).
Protein change: p.Tyr452_Gln457del.
Genome position (GRCh38, 1-based): chr5:68,293,763-68,293,780, TATAACACTCAGTTTCAA deleted; deleting any 18 consecutive bases within chr5:68,293,761-68,293,780 gives the same sequence; the c. name uses the placement nearest the transcript's 3' end. VCF-style (leftmost placement, unchanged base first): chr5-68293760-GAATATAACACTCAGTTTC-G. GRCh37 (hg19) VCF-style: chr5-67589588-GAATATAACACTCAGTTTC-G.
Other names: c.265_282del, p.Tyr89_Gln94del (NM_001242466.2); c.544_561del, p.Tyr182_Gln187del (NM_181504.4); c.454_471del, p.Tyr152_Gln157del (NM_181524.2).
Identifiers: ClinVar variation 4530386 (VCV004530386.1).

ClinVar aggregate classification (somatic clinical impact): Tier I - Strong (1 of 4 stars; one submission).

Conditions:
Rosette-forming glioneuronal tumor. Identifiers: Orphanet 251975, MedGen C4331262, MONDO:0016736, HP:0025171.

Submission:

Institute for Genomic Medicine (IGM) Clinical Laboratory, Nationwide Children's Hospital
Classification: Tier I - Strong for Rosette-forming glioneuronal tumor. Assertion type: diagnostic. Clinical significance: supports diagnosis. Last evaluated: 2024-11-19. Review status: criteria provided, single submitter. Criteria: AMP/ASCO/CAP Guidelines, 2017. Collection method: clinical testing. Allele origin: somatic. Affected: yes.
Comment: Variant has Tier I (strong) clinical significance as a diagnostic inclusion criterion in rosette-forming glioneuronal tumor of fourth ventricule, based on the following evidence: 1) Documented in one or more cancer databases (e.g., St. Jude Pecan, COSMIC, CIViC, OncoKB). 2) Appears in one or more well-established professional guidelines (e.g., World Health Organization [WHO]; National Comprehensive Cancer Network [NCCN]) as providing diagnostic, prognostic, or therapeutic information. 3) Diagnostic for a specific tumor type/classification according to professional guidelines (Evidence Level A; PMIDs: 32859279, 35293634, 34498065).

Literature cited by the submitters: PubMed 32859279; PubMed 35293634; PubMed 34498065.